The following is an entry in ClinVar:

ClinVar aggregate classification (germline): Uncertain significance (1 of 4 stars; one submission).

Submission:

GeneDx
Classification: Uncertain significance. Last evaluated: 2022-04-05. Review status: criteria provided, single submitter. Criteria: GeneDx Variant Classification Process June 2021. Collection method: clinical testing. Allele origin: germline. Affected: yes.
Comment: Not observed at significant frequency in large population cohorts (gnomAD); In silico analysis supports that this missense variant has a deleterious effect on protein structure/function; Has not been previously published as pathogenic or benign to our knowledge

NM_001372066.1(TFAP2A):c.284A>T (p.His95Leu)

Gene: TFAP2A (transcription factor AP-2 alpha; minus strand). Cytogenetic location: 6p24.3.
Variant type: single nucleotide variant.
Coding change: c.284A>T on transcript NM_001372066.1 (MANE Select); coding-DNA position 284, A replaced by T.
Protein change: p.His95Leu; replaces histidine 95 with leucine.
Molecular consequence: missense variant.
Genome position (GRCh38, 1-based): chr6:10,410,103, T>A on the plus strand (A>T on the coding strand, the complement: TFAP2A is on the minus strand). VCF-style: chr6-10410103-T-A. GRCh37 (hg19) VCF-style: chr6-10410336-T-A.
Other names: NM_003220.2:c.278A>T; c.260A>T, p.His87Leu (NM_001032280.3); c.266A>T, p.His89Leu (NM_001042425.3); short protein forms H87L, H89L, H95L.
Identifiers: ClinVar variation 1676379 (VCV001676379.2), dbSNP rs1757891946, ClinGen allele CA362704638.